The following is an entry in ClinVar:

NM_198904.4(GABRG2):c.351dup (p.Ala118fs)

Gene: GABRG2 (gamma-aminobutyric acid type A receptor subunit gamma2; plus strand). Cytogenetic location: 5q34.
Variant type: Duplication.
Coding change: c.351dup on transcript NM_198904.4 (MANE Select); coding-DNA position 351, one base duplicated (T; older notation c.351dupT).
Protein change: p.Ala118fs; shifts the reading frame from alanine 118.
Molecular consequence: frameshift variant. On other transcripts: intron variant (2).
Genome position (GRCh38, 1-based): chr5:162,097,661, T duplicated; the last of 6 consecutive T bases (chr5:162,097,656-162,097,661); duplicating any one gives the same sequence. VCF-style (leftmost placement, unchanged base first): chr5-162097655-A-AT. GRCh37 (hg19) VCF-style: chr5-161524661-A-AT.
Other names: c.351dup, p.Ala118fs (NM_000816.3, NM_001375340.1, NM_001375341.1 and 4 more transcripts); c.342dup, p.Ala115fs (NM_001375339.1); c.285dup, p.Ala96fs (NM_001375345.1, NM_001375346.1); c.264dup, p.Ala89fs (NM_001375347.1); c.66dup, p.Ala23fs (NM_001375349.1); c.-31-39dup (NM_001375350.1, NM_001375348.1); c.351dupT (NM_000816.3); short protein forms A118fs, A115fs, A23fs, A89fs, A96fs.
Identifiers: ClinVar variation 503773 (VCV000503773.14), dbSNP rs1554097873, ClinGen allele CA645567320.
Genomic context (GRCh38, chr5:162,097,655, plus strand): 5'-CTTACTGTGTACAAATTTTCTGTTTATCATTTTATTAAAACAGGAATACACTATTGATAT[A>AT]TTTTTTGCGCAAACGTGGTATGACAGACGTTTGAAATTTAACAGCACCATTAAAGTCCTC-3'

ClinVar aggregate classification (germline): Pathogenic. Review status: criteria provided, multiple submitters, no conflicts (2 of 4 stars). 4 submissions from 4 submitters: Pathogenic (4). Last evaluated 2024-08-06.

Conditions:
GABRG2-related disorder. Also called: GABRG2-related condition.
EPILEPSY, CHILDHOOD ABSENCE, SUSCEPTIBILITY TO, 2 (ECA2). Identifiers: Orphanet 64280, MedGen C1843244, OMIM 607681.
Febrile seizures, familial, 8 (FEB8). Also called: CONVULSIONS, FAMILIAL FEBRILE, 8. Identifiers: Orphanet 36387, MedGen C1969810, MONDO:0011891, OMIM 607681.
Seizure. Also called: Seizures. Identifiers: MedGen C0036572, HP:0001250.

Submissions (4):

Blueprint Genetics
Classification: Pathogenic for GABRG2-related disorders. Last evaluated: 2024-08-06. Review status: criteria provided, single submitter. Criteria: ACMG Guidelines, 2015. Collection method: clinical testing. Allele origin: germline. Affected: yes. Observed: 1 variant allele.

Cytogénomique, Hospices Civils de Lyon
Classification: Pathogenic for Seizures. Last evaluated: 2024-03-04. Review status: criteria provided, single submitter. Criteria: ACMG Guidelines, 2015. Collection method: clinical testing. Allele origin: unknown. Affected: yes. Observed: 1 variant allele, 1 compound heterozygote.

GeneDx
Classification: Pathogenic. Last evaluated: 2022-11-25. Review status: criteria provided, single submitter. Criteria: GeneDx Variant Classification Process June 2021. Collection method: clinical testing. Allele origin: germline. Affected: yes.
Comment: Frameshift variant predicted to result in protein truncation or nonsense mediated decay in a gene for which loss of function is a known mechanism of disease; Not observed at significant frequency in large population cohorts (gnomAD); This variant is associated with the following publications: (PMID: 24848745)

Labcorp Genetics (formerly Invitae), Labcorp
Classification: Pathogenic for Febrile seizures, familial, 8; EPILEPSY, CHILDHOOD ABSENCE, SUSCEPTIBILITY TO, 2. Last evaluated: 2021-07-13. Review status: criteria provided, single submitter. Criteria: Invitae Variant Classification Sherloc (09022015). Collection method: clinical testing. Allele origin: germline.
Comment: This variant is not present in population databases (ExAC no frequency). This sequence change creates a premature translational stop signal (p.Ala118Cysfs*6) in the GABRG2 gene. It is expected to result in an absent or disrupted protein product. Loss-of-function variants in GABRG2 are known to be pathogenic (PMID: 22539854, 22750526, 24407264). This variant has been observed in individual(s) with febrile seizures (PMID: 24848745). ClinVar contains an entry for this variant (Variation ID: 503773). For these reasons, this variant has been classified as Pathogenic.

Literature cited by the submitters: PubMed 22539854 (cited by Labcorp Genetics (formerly Invitae), Labcorp); PubMed 22750526 (cited by Labcorp Genetics (formerly Invitae), Labcorp); PubMed 24407264 (cited by Labcorp Genetics (formerly Invitae), Labcorp); PubMed 24848745 (cited by Labcorp Genetics (formerly Invitae), Labcorp).